The following is an entry in ClinVar:

NM_005006.7(NDUFS1):c.421-7A>G

Gene: NDUFS1 (NADH:ubiquinone oxidoreductase core subunit S1; minus strand). Cytogenetic location: 2q33.3.
Variant type: single nucleotide variant.
Coding change: c.421-7A>G on transcript NM_005006.7 (MANE Select); 7 bases into the intron before coding-DNA position 421, A replaced by G.
Molecular consequence: intron variant.
Genome position (GRCh38, 1-based): chr2:206,147,668, T>C on the plus strand (A>G on the coding strand, the complement: NDUFS1 is on the minus strand). VCF-style: chr2-206147668-T-C. GRCh37 (hg19) VCF-style: chr2-207012392-T-C.
Other names: p.?; c.88-7A>G (NM_001199982.2); c.250-7A>G (NM_001199983.2); c.313-7A>G (NM_001199981.2); c.463-7A>G (NM_001199984.2).
Identifiers: ClinVar variation 138474 (VCV000138474.56), dbSNP rs192949406, ClinGen allele CA292482.

ClinVar aggregate classification (germline): Conflicting classifications of pathogenicity. Review status: criteria provided, conflicting classifications (1 of 4 stars). 10 submissions from 9 submitters: Uncertain significance (2); Benign (4); Likely benign (3). 1 of the submissions does not count toward it. Last evaluated 2026-10-01.

Conditions:
NDUFS1-related disorder. Also called: NDUFS1-related condition.
Mitochondrial complex I deficiency, nuclear type 1. Also called: NADH-COENZYME Q REDUCTASE DEFICIENCY; MITOCHONDRIAL NADH DEHYDROGENASE COMPONENT OF COMPLEX I, DEFICIENCY OF. Identifiers: MedGen C6022305, MONDO:0100224, OMIM 252010.
Leigh syndrome (NULS). Also called: Leigh Syndrome (mtDNA deletion); Leigh's syndrome; Leigh's necrotizing encephalopathy; Leigh's disease; Leigh Disease; Subacute necrotizing encephalopathy. Identifiers: Orphanet 506, MedGen C2931891, MONDO:0009723, OMIM 256000.

Allele frequency attached by ClinVar (database versions not stated): 1000 Genomes Project 0.00100; ExAC 0.00195; ESP Exome Variant Server 0.00231; gnomAD exomes 0.00236 and 0.00373; gnomAD 0.00282 and 0.00292; TOPMed 0.00326.

Submissions (10):

CeGaT Center for Human Genetics Tuebingen
Classification: Likely benign. Last evaluated: 2026-10-01. Review status: criteria provided, single submitter. Criteria: CeGaT Center For Human Genetics Tuebingen Variant Classification Criteria Version 2. Collection method: clinical testing. Allele origin: germline. Affected: yes. Observed: 10 variant alleles.
Comment: NDUFS1: BP4, BS2

Women's Health and Genetics/Laboratory Corporation of America, LabCorp
Classification: Benign. Last evaluated: 2026-04-21. Review status: criteria provided, single submitter. Criteria: LabCorp Variant Classification Summary - May 2015. Collection method: clinical testing. Allele origin: germline.
Comment: Variant summary: NDUFS1 c.421-7A>G alters a nucleotide located at a position not widely known to affect splicing. Consensus agreement among computation tools predict no significant impact on normal splicing. However, these predictions have yet to be confirmed by functional studies. The variant allele was found at a frequency of 0.0024 in 251398 control chromosomes, predominantly at a frequency of 0.0037 within the Latino subpopulation in the gnomAD database. The observed variant frequency within Latino control individuals in the gnomAD database exceeds the estimated maximal expected allele frequency for disease-causing variants in NDUFS1. To our knowledge, no occurrence of c.421-7A>G in individuals affected with NDUFS1-related conditions and no experimental evidence demonstrating its impact on protein function have been reported. ClinVar contains an entry for this variant (Variation ID: 138474). Based on the evidence outlined above, the variant was classified as benign.

Labcorp Genetics (formerly Invitae), Labcorp
Classification: Benign. Last evaluated: 2026-01-29. Review status: criteria provided, single submitter. Criteria: Invitae Variant Classification Sherloc (09022015). Collection method: clinical testing. Allele origin: germline.

Mayo Clinic Laboratories, Mayo Clinic
Classification: Benign. Last evaluated: 2025-04-21. Review status: criteria provided, single submitter. Criteria: ACMG Guidelines, 2015. Collection method: clinical testing. Allele origin: germline. Observed: 7 variant alleles.
Comment: BS1, BS2, BP4, BP7

Blueprint Genetics
Classification: Likely benign. Last evaluated: 2024-11-18. Review status: criteria provided, single submitter. Criteria: ACMG Guidelines, 2015. Collection method: clinical testing. Allele origin: germline.

Illumina Laboratory Services, Illumina
Classification: Uncertain significance for Mitochondrial complex I deficiency, nuclear type 1. Last evaluated: 2018-01-13. Review status: criteria provided, single submitter. Criteria: ICSL Variant Classification Criteria 13 December 2019. Collection method: clinical testing. Allele origin: germline.

Illumina Laboratory Services, Illumina
Classification: Uncertain significance for Leigh syndrome. Last evaluated: 2018-01-13. Review status: criteria provided, single submitter. Criteria: ICSL Variant Classification Criteria 13 December 2019. Collection method: clinical testing. Allele origin: germline.

Eurofins Ntd Llc (ga)
Classification: Likely benign. Last evaluated: 2017-05-30. Review status: criteria provided, single submitter. Criteria: EGL Classification Definitions 2015. Collection method: clinical testing. Allele origin: germline. Observed: 2 variant alleles, 2 heterozygotes.

GeneDx
Classification: Benign. Last evaluated: 2014-04-02. Review status: criteria provided, single submitter. Criteria: GeneDx Variant Classification (06012015). Collection method: clinical testing. Allele origin: germline. Affected: yes.
Comment: This variant is considered likely benign or benign based on one or more of the following criteria: it is a conservative change, it occurs at a poorly conserved position in the protein, it is predicted to be benign by multiple in silico algorithms, and/or has population frequency not consistent with disease.

PreventionGenetics, part of Exact Sciences
Classification: Likely benign for NDUFS1-related condition. Last evaluated: 2024-05-22. Review status: no assertion criteria provided. Collection method: clinical testing. Allele origin: germline. Not counted in ClinVar's aggregate classification.
Comment: This variant is classified as likely benign based on ACMG/AMP sequence variant interpretation guidelines (Richards et al. 2015 PMID: 25741868, with internal and published modifications).